The following is an entry in ClinVar:

ClinVar aggregate classification (germline): Pathogenic. Review status: criteria provided, multiple submitters, no conflicts (2 of 4 stars). 3 submissions from 3 submitters: Pathogenic (2). 1 of the submissions does not count toward it. Last evaluated 2023-06-23.

Conditions:
Cystic fibrosis (CF). Also called: MUCOVISCIDOSIS. Identifiers: Orphanet 586, MedGen C0010674, MONDO:0009061, OMIM 219700. Disease mechanism: loss of function.
Congenital bilateral aplasia of vas deferens from CFTR mutation (CBAVD). Identifiers: Orphanet 48, MedGen C0403814, MONDO:0010178, OMIM 277180. Disease mechanism: loss of function.

Submissions (3):

Labcorp Genetics (formerly Invitae), Labcorp
Classification: Pathogenic for Cystic fibrosis. Last evaluated: 2023-06-23. Review status: criteria provided, single submitter. Criteria: Invitae Variant Classification Sherloc (09022015). Collection method: clinical testing. Allele origin: germline.
Comment: For these reasons, this variant has been classified as Pathogenic. ClinVar contains an entry for this variant (Variation ID: 53680). This premature translational stop signal has been observed in individual(s) with cystic fibrosis and chronic pancreatitis (PMID: 10453741, 24002981). This variant is not present in population databases (gnomAD no frequency). This sequence change creates a premature translational stop signal (p.Ala107*) in the CFTR gene. It is expected to result in an absent or disrupted protein product. Loss-of-function variants in CFTR are known to be pathogenic (PMID: 1695717, 7691345, 9725922).

Baylor Genetics
Classification: Pathogenic for Congenital bilateral aplasia of vas deferens from CFTR mutation; Cystic fibrosis. Review status: criteria provided, single submitter. Criteria: ACMG Guidelines, 2015. Collection method: clinical testing. Allele origin: germline.

ClinVar Staff, National Center for Biotechnology Information (NCBI)
No classification provided. Condition: CFTR-related disorders. Review status: no classification provided. Collection method: literature only. Allele origin: germline. Affected: yes. Not counted in ClinVar's aggregate classification.

Literature cited by the submitters: PubMed 10453741 (cited by Labcorp Genetics (formerly Invitae), Labcorp and ClinVar Staff, National Center for Biotechnology Information (NCBI)); PubMed 24002981 (cited by Labcorp Genetics (formerly Invitae), Labcorp); PubMed 1695717 (cited by Labcorp Genetics (formerly Invitae), Labcorp); PubMed 7691345 (cited by Labcorp Genetics (formerly Invitae), Labcorp); PubMed 9725922 (cited by Labcorp Genetics (formerly Invitae), Labcorp).

NM_000492.4(CFTR):c.319_326del (p.Ile106_Ala107insTer)

Gene: CFTR (CF transmembrane conductance regulator; plus strand). Cytogenetic location: 7q31.2.
Variant type: Deletion.
Coding change: c.319_326del on transcript NM_000492.4 (MANE Select); coding-DNA positions 319 to 326, 8 bases deleted (GCTTCCTA; older notation c.319_326delGCTTCCTA).
Protein change: p.Ile106_Ala107insTer.
Molecular consequence: nonsense.
Genome position (GRCh38, 1-based): chr7:117,530,944-117,530,951, GCTTCCTA deleted; deleting any 8 consecutive bases within chr7:117,530,942-117,530,951 gives the same sequence; the c. name uses the placement nearest the transcript's 3' end. VCF-style (leftmost placement, unchanged base first): chr7-117530941-ATAGCTTCC-A. GRCh37 (hg19) VCF-style: chr7-117170995-ATAGCTTCC-A.
Other names: c.319_326delGCTTCCTA (NM_000492.3).
Identifiers: ClinVar variation 53680 (VCV000053680.5), dbSNP rs397508516, ClinGen allele CA327090.